The following is an entry in ClinVar:

ClinVar aggregate classification (germline): Conflicting classifications of pathogenicity. Review status: criteria provided, conflicting classifications (1 of 4 stars). 3 submissions from 3 submitters: Uncertain significance (1); Likely benign (2). Last evaluated 2026-09-21.

Conditions:
Amyotrophic lateral sclerosis (ALS). Also called: Charcot disease; Lou Gehrig disease. Identifiers: Orphanet 803, MedGen C0002736, MONDO:0004976, HP:0007354.

gnomAD v4.1: 25 of 1,613,748 alleles (0.0015%); highest among the groups gnomAD compares: South Asian, 0.0055%; no homozygotes.

Submissions (3):

Department of Neurology, Brain Research Institute, Niigata University
Classification: Likely benign for Amyotrophic lateral sclerosis. Last evaluated: 2026-09-21. Review status: criteria provided, single submitter. Criteria: ACMG Guidelines, 2015. Collection method: research. Allele origin: unknown. Affected: yes.
Comment: REVEL score of this variant is 0.225 (BP4_Supporting).

Labcorp Genetics (formerly Invitae), Labcorp
Classification: Uncertain significance. Last evaluated: 2025-12-01. Review status: criteria provided, single submitter. Criteria: Invitae Variant Classification Sherloc (09022015). Collection method: clinical testing. Allele origin: germline.
Comment: This sequence change replaces threonine, which is neutral and polar, with methionine, which is neutral and non-polar, at codon 639 of the ERBB4 protein (p.Thr639Met). This variant is present in population databases (rs532377012, gnomAD 0.02%). This variant has not been reported in the literature in individuals affected with ERBB4-related conditions. ClinVar contains an entry for this variant (Variation ID: 3604224). Invitae Evidence Modeling of protein sequence and biophysical properties (such as structural, functional, and spatial information, amino acid conservation, physicochemical variation, residue mobility, and thermodynamic stability) indicates that this missense variant is not expected to disrupt ERBB4 protein function with a negative predictive value of 80%. In summary, the available evidence is currently insufficient to determine the role of this variant in disease. Therefore, it has been classified as a Variant of Uncertain Significance.

Blueprint Genetics
Classification: Likely benign. Last evaluated: 2024-07-09. Review status: criteria provided, single submitter. Criteria: ACMG Guidelines, 2015. Collection method: clinical testing. Allele origin: germline.

NM_005235.3(ERBB4):c.1916C>T (p.Thr639Met)

Gene: ERBB4 (erb-b2 receptor tyrosine kinase 4; minus strand). Cytogenetic location: 2q34.
Variant type: single nucleotide variant.
Coding change: c.1916C>T on transcript NM_005235.3 (MANE Select); coding-DNA position 1916, C replaced by T.
Protein change: p.Thr639Met; replaces threonine 639 with methionine.
Molecular consequence: missense variant.
Genome position (GRCh38, 1-based): chr2:211,657,784, G>A on the plus strand (C>T on the coding strand, the complement: ERBB4 is on the minus strand). VCF-style: chr2-211657784-G-A. GRCh37 (hg19) VCF-style: chr2-212522509-G-A.
Other names: c.1916C>T, p.Thr639Met (NM_001042599.2); short protein forms T639M.
Identifiers: ClinVar variation 3604224 (VCV003604224.5).